The following is an entry in ClinVar:

NM_000548.5(TSC2):c.139-20C>T

Gene: TSC2 (TSC complex subunit 2; plus strand). Cytogenetic location: 16p13.3.
Variant type: single nucleotide variant.
Coding change: c.139-20C>T on transcript NM_000548.5 (MANE Select); 20 bases into the intron before coding-DNA position 139, C replaced by T.
Molecular consequence: intron variant.
Genome position (GRCh38, 1-based): chr16:2,050,380, C>T. VCF-style: chr16-2050380-C-T. GRCh37 (hg19) VCF-style: chr16-2100381-C-T.
Other names: c.-1599-20C>T (NM_001406693.1); c.139-20C>T (NM_001406667.1, NM_001406668.1, NM_001114382.3 and 13 more transcripts); c.-678-20C>T (NM_001406680.1, NM_001406683.1, NM_001406687.1); c.-1293-20C>T (NM_001406689.1, NM_001406690.1, NM_001406692.1 and 2 more transcripts); c.-1469-20C>T (NM_001406698.1); c.-1174-20C>T (NM_001406694.1, NM_001406695.1); c.-1281-20C>T (NM_001406696.1); c.-307-20C>T (NM_001406681.1); and 3 more.
Identifiers: ClinVar variation 2833880 (VCV002833880.4), dbSNP rs779808076, ClinGen allele CA029976.

ClinVar aggregate classification (germline): Likely benign. Review status: criteria provided, multiple submitters, no conflicts (2 of 4 stars). 2 submissions from 2 submitters: Likely benign (2). Last evaluated 2025-10-15.

Conditions:
Tuberous sclerosis 2 (TSC2). Identifiers: Orphanet 805, MedGen C1860707, MONDO:0013199, OMIM 613254.

Allele frequency attached by ClinVar (database versions not stated): ExAC 0.00001.

Submissions (2):

Labcorp Genetics (formerly Invitae), Labcorp
Classification: Likely benign for Tuberous sclerosis 2. Last evaluated: 2025-10-15. Review status: criteria provided, single submitter. Criteria: Invitae Variant Classification Sherloc (09022015). Collection method: clinical testing. Allele origin: germline.

Myriad Genetics, Inc.
Classification: Likely benign for Tuberous sclerosis 2. Last evaluated: 2025-04-30. Review status: criteria provided, single submitter. Criteria: Myriad Autosomal Dominant, Autosomal Recessive and X-Linked Classification Criteria (2023). Collection method: clinical testing. Allele origin: unknown.
Comment: This variant is considered likely benign. This variant is intronic and is not expected to impact mRNA splicing.